The following is an entry in ClinVar:

NM_007294.4(BRCA1):c.2678A>G (p.Lys893Arg)

Gene: BRCA1 (BRCA1 DNA repair associated; minus strand). Cytogenetic location: 17q21.31.
Variant type: single nucleotide variant.
Coding change: c.2678A>G on transcript NM_007294.4 (MANE Select); coding-DNA position 2678, A replaced by G.
Protein change: p.Lys893Arg; replaces lysine 893 with arginine.
Molecular consequence: missense variant. On other transcripts: intron variant (137).
Genome position (GRCh38, 1-based): chr17:43,092,853, T>C on the plus strand (A>G on the coding strand, the complement: BRCA1 is on the minus strand). VCF-style: chr17-43092853-T-C. GRCh37 (hg19) VCF-style: chr17-41244870-T-C.
Other names: c.2675A>G, p.Lys892Arg (NM_001407610.1, NM_001407611.1, NM_001407612.1 and 22 more transcripts); c.2678A>G, p.Lys893Arg (NM_001407616.1, NM_001407617.1, NM_001407618.1 and 30 more transcripts); c.2552A>G, p.Lys851Arg (NM_001407649.1, NM_001407670.1, NM_001407671.1 and 11 more transcripts); c.2600A>G, p.Lys867Arg (NM_001407653.1, NM_001407654.1, NM_001407655.1 and 4 more transcripts); c.2597A>G, p.Lys866Arg (NM_001407659.1, NM_001407660.1, NM_001407661.1 and 1 more transcripts); c.2555A>G, p.Lys852Arg (NM_001407674.1, NM_001407675.1, NM_001407676.1 and 19 more transcripts); c.2537A>G, p.Lys846Arg (NM_001407692.1, NM_001407694.1, NM_001407695.1 and 29 more transcripts); c.2534A>G, p.Lys845Arg (NM_001407740.1, NM_001407741.1, NM_001407742.1 and 20 more transcripts); and 41 more; short protein forms K893R, K846R, K823R, K782R, K804R, K826R, K852R, K890R.
Identifiers: ClinVar variation 581219 (VCV000581219.15), dbSNP rs1567794714, ClinGen allele CA10596644.

ClinVar aggregate classification (germline): Conflicting classifications of pathogenicity. Review status: criteria provided, conflicting classifications (1 of 4 stars). 4 submissions from 4 submitters: Uncertain significance (1); Benign (1); Likely benign (2). Last evaluated 2026-05-26.

Conditions:
Hereditary cancer-predisposing syndrome. Also called: Tumor predisposition; Hereditary Cancer Syndrome; Neoplastic Syndromes, Hereditary; Hereditary neoplastic syndrome. Identifiers: Orphanet 140162, MedGen C0027672, MeSH D009386, MONDO:0015356.
Hereditary breast ovarian cancer syndrome. Also called: Hereditary breast and ovarian cancer; Hereditary breast and ovarian cancer syndrome (HBOC); Hereditary breast and ovarian cancer syndrome; Breast and ovarian cancer; Hereditary breast and/or ovarian cancer syndrome; BRCA1- and BRCA2-Associated Hereditary Breast and Ovarian Cancer. Identifiers: Orphanet 145, MedGen C0677776, MeSH D061325, MONDO:0003582. Disease mechanism: loss of function.

Allele frequency attached by ClinVar (database versions not stated): gnomAD exomes below 0.00001.
gnomAD v4.1: 3 of 1,614,036 alleles (0.00019%); highest among the groups gnomAD compares: South Asian, 0.0022%; no homozygotes.

Submissions (4):

Ambry Genetics
Classification: Likely benign for Hereditary cancer-predisposing syndrome. Last evaluated: 2026-05-26. Review status: criteria provided, single submitter. Criteria: Ambry Variant Classification Scheme 2023. Collection method: clinical testing. Allele origin: germline.

GeneDx
Classification: Uncertain significance. Last evaluated: 2024-02-26. Review status: criteria provided, single submitter. Criteria: GeneDx Variant Classification Process June 2021. Collection method: clinical testing. Allele origin: germline. Affected: yes.
Comment: Observed in a patient with prostate cancer (PMID: 36922933); In silico analysis supports that this missense variant does not alter protein structure/function; Not observed at significant frequency in large population cohorts (gnomAD); Also known as 2797A>G; This variant is associated with the following publications: (PMID: 31911673, 15343273, 36922933)

Labcorp Genetics (formerly Invitae), Labcorp
Classification: Benign for Hereditary breast ovarian cancer syndrome. Last evaluated: 2023-11-27. Review status: criteria provided, single submitter. Criteria: Invitae Variant Classification Sherloc (09022015). Collection method: clinical testing. Allele origin: germline.

University of Washington Department of Laboratory Medicine, University of Washington
Classification: Likely benign for Hereditary cancer-predisposing syndrome. Last evaluated: 2023-03-23. Review status: criteria provided, single submitter. Criteria: Dines et al. (Genet Med. 2020). Collection method: curation. Allele origin: germline.
Comment: Missense variant in a coldspot region where missense variants are very unlikely to be pathogenic (PMID:31911673).

BRCA1 coldspot (exon 11 using historical exon numbering). Reclassification based on statistical prior probability